The following is an entry in ClinVar:

ClinVar aggregate classification (germline): Uncertain significance. Review status: criteria provided, multiple submitters, no conflicts (2 of 4 stars). 2 submissions from 2 submitters: Uncertain significance (2). Last evaluated 2025-07-01.

Allele frequency attached by ClinVar (database versions not stated): ExAC 0.00003; gnomAD 0.00005; TOPMed 0.00005.
gnomAD v4.1: 128 of 1,614,184 alleles (0.0079%); highest among the groups gnomAD compares: Middle Eastern, 0.099%; no homozygotes.

Submissions (2):

Ambry Genetics
Classification: Uncertain significance. Last evaluated: 2025-07-01. Review status: criteria provided, single submitter. Criteria: Ambry Variant Classification Scheme 2023. Collection method: clinical testing. Allele origin: germline.

Labcorp Genetics (formerly Invitae), Labcorp
Classification: Uncertain significance. Last evaluated: 2024-05-04. Review status: criteria provided, single submitter. Criteria: Invitae Variant Classification Sherloc (09022015). Collection method: clinical testing. Allele origin: germline.
Comment: This sequence change replaces valine, which is neutral and non-polar, with isoleucine, which is neutral and non-polar, at codon 694 of the FBLN1 protein (p.Val694Ile). This variant is present in population databases (rs761373665, gnomAD 0.009%). This variant has not been reported in the literature in individuals affected with FBLN1-related conditions. ClinVar contains an entry for this variant (Variation ID: 2209738). An algorithm developed to predict the effect of missense changes on protein structure and function (PolyPhen-2) suggests that this variant is likely to be tolerated. In summary, the available evidence is currently insufficient to determine the role of this variant in disease. Therefore, it has been classified as a Variant of Uncertain Significance.

NM_006486.3(FBLN1):c.2080G>A (p.Val694Ile)

Gene: FBLN1 (fibulin 1; plus strand). Cytogenetic location: 22q13.31.
Variant type: single nucleotide variant.
Coding change: c.2080G>A on transcript NM_006486.3 (MANE Select); coding-DNA position 2080, G replaced by A.
Protein change: p.Val694Ile; replaces valine 694 with isoleucine.
Molecular consequence: missense variant.
Genome position (GRCh38, 1-based): chr22:45,600,414, G>A. VCF-style: chr22-45600414-G-A. GRCh37 (hg19) VCF-style: chr22-45996294-G-A.
Other names: short protein forms V694I.
Identifiers: ClinVar variation 2209738 (VCV002209738.5), dbSNP rs761373665, ClinGen allele CA10287400.